The following is an entry in ClinVar:

ClinVar aggregate classification (germline): Uncertain significance. Review status: criteria provided, multiple submitters, no conflicts (2 of 4 stars). 2 submissions from 2 submitters: Uncertain significance (2). Last evaluated 2025-05-11.

Conditions:
Tuberous sclerosis 2 (TSC2). Identifiers: Orphanet 805, MedGen C1860707, MONDO:0013199, OMIM 613254.
Hereditary cancer-predisposing syndrome. Also called: Hereditary neoplastic syndrome; Neoplastic Syndromes, Hereditary; Tumor predisposition; Hereditary Cancer Syndrome. Identifiers: Orphanet 140162, MedGen C0027672, MeSH D009386, MONDO:0015356.

gnomAD v4.1: 3 of 1,597,204 alleles (0.00019%); highest among the groups gnomAD compares: Non-Finnish European, 0.00026%; no homozygotes.

Submissions (2):

Labcorp Genetics (formerly Invitae), Labcorp
Classification: Uncertain significance for Tuberous sclerosis 2. Last evaluated: 2025-05-11. Review status: criteria provided, single submitter. Criteria: Invitae Variant Classification Sherloc (09022015). Collection method: clinical testing. Allele origin: germline.
Comment: This sequence change replaces arginine, which is basic and polar, with proline, which is neutral and non-polar, at codon 680 of the TSC2 protein (p.Arg680Pro). This variant is not present in population databases (gnomAD no frequency). This variant has not been reported in the literature in individuals affected with TSC2-related conditions. ClinVar contains an entry for this variant (Variation ID: 467918). Invitae Evidence Modeling of protein sequence and biophysical properties (such as structural, functional, and spatial information, amino acid conservation, physicochemical variation, residue mobility, and thermodynamic stability) indicates that this missense variant is not expected to disrupt TSC2 protein function with a negative predictive value of 95%. In summary, the available evidence is currently insufficient to determine the role of this variant in disease. Therefore, it has been classified as a Variant of Uncertain Significance.

Ambry Genetics
Classification: Uncertain significance for Hereditary cancer-predisposing syndrome. Last evaluated: 2023-09-06. Review status: criteria provided, single submitter. Criteria: Ambry Variant Classification Scheme 2023. Collection method: clinical testing. Allele origin: germline.
Comment: The p.R680P variant (also known as c.2039G>C), located in coding exon 18 of the TSC2 gene, results from a G to C substitution at nucleotide position 2039. The arginine at codon 680 is replaced by proline, an amino acid with dissimilar properties. This amino acid position is conserved. In addition, this alteration is predicted to be deleterious by in silico analysis. Since supporting evidence is limited at this time, the clinical significance of this alteration remains unclear.

NM_000548.5(TSC2):c.2039G>C (p.Arg680Pro)

Gene: TSC2 (TSC complex subunit 2; plus strand). Cytogenetic location: 16p13.3.
Variant type: single nucleotide variant.
Coding change: c.2039G>C on transcript NM_000548.5 (MANE Select); coding-DNA position 2039, G replaced by C.
Protein change: p.Arg680Pro; replaces arginine 680 with proline.
Molecular consequence: missense variant.
Genome position (GRCh38, 1-based): chr16:2,071,876, G>C. VCF-style: chr16-2071876-G-C. GRCh37 (hg19) VCF-style: chr16-2121877-G-C.
Other names: c.2039G>C, p.Arg680Pro (NM_001077183.3, NM_001114382.3, NM_001363528.2 and 3 more transcripts); c.1928G>C, p.Arg643Pro (NM_001318827.2); c.1892G>C, p.Arg631Pro (NM_001318829.2); c.1439G>C, p.Arg480Pro (NM_001318831.2); c.2072G>C, p.Arg691Pro (NM_001318832.2); short protein forms R680P, R480P, R631P, R691P, R643P.
Identifiers: ClinVar variation 467918 (VCV000467918.10), dbSNP rs756536921, ClinGen allele CA394274566.